The following is an entry in ClinVar:

NM_000038.6(APC):c.532-744G>T

Gene: APC (APC regulator of WNT signaling pathway; plus strand). Cytogenetic location: 5q22.2.
Variant type: single nucleotide variant.
Coding change: c.532-744G>T on transcript NM_000038.6 (MANE Select); 744 bases into the intron before coding-DNA position 532, G replaced by T.
Molecular consequence: intron variant.
Genome position (GRCh38, 1-based): chr5:112,780,046, G>T. VCF-style: chr5-112780046-G-T. GRCh37 (hg19) VCF-style: chr5-112115743-G-T.
Other names: c.532-744G>T (NM_001354895.2, NM_001127510.3, NM_001354896.2 and 2 more transcripts); c.562-744G>T (NM_001354897.2, NM_001354902.2, NM_001127511.3); c.457-744G>T (NM_001354898.2, NM_001354904.2); c.-504-744G>T (NM_001354906.2); c.355-744G>T (NM_001354900.2, NM_001354901.2, NM_001354905.2).
Identifiers: ClinVar variation 679390 (VCV000679390.1), dbSNP rs7732731, ClinGen allele CA124936840.

ClinVar aggregate classification (germline): Benign (1 of 4 stars; one submission).

Allele frequency attached by ClinVar (database versions not stated): gnomAD 0.02690 and 0.02895; TOPMed 0.03036; 1000 Genomes Project 0.03435; 1000 Genomes Project 30x 0.03670.
gnomAD v4.1: 4,059 of 152,190 alleles (2.7%); highest among the groups gnomAD compares: African/African-American, 9.2%; 211 homozygotes.

Submission:

GeneDx
Classification: Benign. Last evaluated: 2018-06-18. Review status: criteria provided, single submitter. Criteria: GeneDx Variant Classification (06012015). Collection method: clinical testing. Allele origin: germline. Affected: yes.
Comment: This variant is considered likely benign or benign based on one or more of the following criteria: it is a conservative change, it occurs at a poorly conserved position in the protein, it is predicted to be benign by multiple in silico algorithms, and/or has population frequency not consistent with disease.